The following is an entry in ClinVar:

ClinVar aggregate classification (germline): Uncertain significance (1 of 4 stars; one submission).

Conditions:
Nephronophthisis 11 (NPHP11). Identifiers: Orphanet 84081, MedGen C3150796, MONDO:0013302, OMIM 613550.

Submission:

3billion
Classification: Uncertain significance for Nephronophthisis 11. Last evaluated: 2025-01-24. Review status: criteria provided, single submitter. Criteria: ACMG Guidelines, 2015. Collection method: clinical testing. Allele origin: germline. Affected: yes.
Comment: The variant is not observed in the gnomAD v4.1.0 dataset. Predicted Consequence/Location: Missense variant In silico tool predictions suggest damaging effect of the variant on gene or gene product [REVEL: 0.65 (>=0.6, sensitivity 0.68 and specificity 0.92); 3Cnet: 0.19 (>=0.6, sensitivity 0.72 and precision 0.9)]. The different nucleotide change resulting in the same amino acid change has been previously reported to be associated with TMEM67-related disorder(PMID: 35621037). However, the evidence of pathogenicity is insufficient at this time. Therefore, this variant is classified as VUS according to the recommendation of ACMG/AMP guideline.

Literature cited by the submitters: PubMed 35621037.

NM_153704.6(TMEM67):c.894T>G (p.Phe298Leu)

Gene: TMEM67 (transmembrane protein 67; plus strand). Cytogenetic location: 8q22.1.
Variant type: single nucleotide variant.
Coding change: c.894T>G on transcript NM_153704.6 (MANE Select); coding-DNA position 894, T replaced by G.
Protein change: p.Phe298Leu; replaces phenylalanine 298 with leucine.
Molecular consequence: missense variant. On other transcripts: non-coding transcript variant (1).
Genome position (GRCh38, 1-based): chr8:93,780,898, T>G. VCF-style: chr8-93780898-T-G. GRCh37 (hg19) VCF-style: chr8-94793126-T-G.
Other names: c.651T>G, p.Phe217Leu (NM_001142301.1); short protein forms F217L, F298L.
Identifiers: ClinVar variation 4072306 (VCV004072306.1).